The following is an entry in ClinVar:

ClinVar aggregate classification (germline): Uncertain significance (1 of 4 stars; one submission).

Conditions:
Congenital myopathy with internal nuclei and atypical cores. Also called: Myopathy, centronuclear, 4. Identifiers: Orphanet 319160, MedGen C4707232, MONDO:0013890, OMIM 614807.

Allele frequency attached by ClinVar (database versions not stated): gnomAD exomes below 0.00001.
gnomAD v4.1: 1 of 1,612,110 alleles (0.000062%); highest among the groups gnomAD compares: Non-Finnish European, 0.000085%; no homozygotes.

Submission:

Labcorp Genetics (formerly Invitae), Labcorp
Classification: Uncertain significance for Congenital myopathy with internal nuclei and atypical cores. Last evaluated: 2022-04-22. Review status: criteria provided, single submitter. Criteria: Invitae Variant Classification Sherloc (09022015). Collection method: clinical testing. Allele origin: germline.
Comment: This sequence change replaces alanine, which is neutral and non-polar, with serine, which is neutral and polar, at codon 227 of the CCDC78 protein (p.Ala227Ser). This variant is not present in population databases (gnomAD no frequency). This variant has not been reported in the literature in individuals affected with CCDC78-related conditions. Algorithms developed to predict the effect of missense changes on protein structure and function are either unavailable or do not agree on the potential impact of this missense change (SIFT: "Deleterious"; PolyPhen-2: "Possibly Damaging"; Align-GVGD: "Class C0"). In summary, the available evidence is currently insufficient to determine the role of this variant in disease. Therefore, it has been classified as a Variant of Uncertain Significance.

NM_001378030.1(CCDC78):c.679G>T (p.Ala227Ser)

Gene: CCDC78 (coiled-coil domain containing 78; minus strand). Cytogenetic location: 16p13.3.
Variant type: single nucleotide variant.
Coding change: c.679G>T on transcript NM_001378030.1 (MANE Select); coding-DNA position 679, G replaced by T.
Protein change: p.Ala227Ser; replaces alanine 227 with serine.
Molecular consequence: missense variant. On other transcripts: non-coding transcript variant (5), intron variant (1).
Genome position (GRCh38, 1-based): chr16:724,767, C>A on the plus strand (G>T on the coding strand, the complement: CCDC78 is on the minus strand). VCF-style: chr16-724767-C-A. GRCh37 (hg19) VCF-style: chr16-774767-C-A.
Other names: c.679G>T, p.Ala227Ser (NM_001031737.3, NM_001378031.1); c.199-258G>T (NM_001378033.1); short protein forms A227S.
Identifiers: ClinVar variation 2114717 (VCV002114717.4), dbSNP rs2151558333, ClinGen allele CA394101488.